The following is an entry in ClinVar:

ClinVar aggregate classification (germline): Uncertain significance (1 of 4 stars; one submission).

Allele frequency attached by ClinVar (database versions not stated): TOPMed below 0.00001; ExAC 0.00001; gnomAD 0.00001; gnomAD exomes 0.00001.
gnomAD v4.1: 19 of 1,613,842 alleles (0.0012%); highest among the groups gnomAD compares: African/African-American, 0.0093%; no homozygotes.

Submission:

Labcorp Genetics (formerly Invitae), Labcorp
Classification: Uncertain significance. Last evaluated: 2023-03-25. Review status: criteria provided, single submitter. Criteria: Invitae Variant Classification Sherloc (09022015). Collection method: clinical testing. Allele origin: germline.
Comment: This sequence change replaces glycine, which is neutral and non-polar, with aspartic acid, which is acidic and polar, at codon 904 of the RPS6KC1 protein (p.Gly904Asp). This variant is present in population databases (rs558172252, gnomAD 0.007%). This variant has not been reported in the literature in individuals affected with RPS6KC1-related conditions. Algorithms developed to predict the effect of missense changes on protein structure and function output the following: SIFT: "Not Available"; PolyPhen-2: "Benign"; Align-GVGD: "Not Available". The aspartic acid amino acid residue is found in multiple mammalian species, which suggests that this missense change does not adversely affect protein function. In summary, the available evidence is currently insufficient to determine the role of this variant in disease. Therefore, it has been classified as a Variant of Uncertain Significance.

NM_012424.6(RPS6KC1):c.2711G>A (p.Gly904Asp)

Gene: RPS6KC1 (ribosomal protein S6 kinase C1; plus strand). Cytogenetic location: 1q32.3.
Variant type: single nucleotide variant.
Coding change: c.2711G>A on transcript NM_012424.6 (MANE Select); coding-DNA position 2711, G replaced by A.
Protein change: p.Gly904Asp; replaces glycine 904 with aspartic acid.
Molecular consequence: missense variant. On other transcripts: non-coding transcript variant (4).
Genome position (GRCh38, 1-based): chr1:213,242,187, G>A. VCF-style: chr1-213242187-G-A. GRCh37 (hg19) VCF-style: chr1-213415530-G-A.
Other names: c.2675G>A, p.Gly892Asp (NM_001136138.4); c.2075G>A, p.Gly692Asp (NM_001287218.3, NM_001287219.3, NM_001349654.2); c.1316G>A, p.Gly439Asp (NM_001287220.3, NM_001349663.2, NM_001349664.2 and 8 more transcripts); c.2168G>A, p.Gly723Asp (NM_001287221.3, NM_001349648.2, NM_001349649.2 and 4 more transcripts); c.2618G>A, p.Gly873Asp (NM_001349646.2); c.2348G>A, p.Gly783Asp (NM_001349647.2); c.1820G>A, p.Gly607Asp (NM_001349657.2, NM_001349658.2); c.1655G>A, p.Gly552Asp (NM_001349659.2, NM_001349660.2, NM_001349661.2 and 1 more transcripts); short protein forms G439D, G783D, G552D, G607D, G892D, G904D, G692D, G723D.
Identifiers: ClinVar variation 3023733 (VCV003023733.3), dbSNP rs558172252, ClinGen allele CA1387666.